The following is an entry in ClinVar:

NM_003072.5(SMARCA4):c.2574G>A (p.Thr858=)

Gene: SMARCA4 (SWI/SNF related BAF chromatin remodeling complex subunit ATPase 4; plus strand). Cytogenetic location: 19p13.2.
Variant type: single nucleotide variant.
Coding change: c.2574G>A on transcript NM_003072.5 (MANE Select); coding-DNA position 2574, G replaced by A.
Protein change: p.Thr858=; no amino-acid change (threonine 858 retained).
Molecular consequence: synonymous variant. On other transcripts: non-coding transcript variant (1).
Genome position (GRCh38, 1-based): chr19:11,019,659, G>A. VCF-style: chr19-11019659-G-A. GRCh37 (hg19) VCF-style: chr19-11130335-G-A.
Other names: c.2574G>A, p.Thr858= (NM_001128844.3, NM_001128845.2, NM_001128846.2 and 5 more transcripts).
Identifiers: ClinVar variation 415150 (VCV000415150.42), dbSNP rs760653330, ClinGen allele CA9204161.

ClinVar aggregate classification (germline): Benign/Likely benign. Review status: criteria provided, multiple submitters, no conflicts (2 of 4 stars). 7 submissions from 7 submitters: Benign (2); Likely benign (5). Last evaluated 2026-07-13.

Conditions:
SMARCA4-related disorder. Also called: SMARCA4-related condition.
Hereditary cancer-predisposing syndrome. Also called: Hereditary Cancer Syndrome; Hereditary neoplastic syndrome; Neoplastic Syndromes, Hereditary; Tumor predisposition. Identifiers: Orphanet 140162, MedGen C0027672, MeSH D009386, MONDO:0015356.
Rhabdoid tumor predisposition syndrome 2 (RTPS2). Identifiers: Orphanet 231108, Orphanet 69077, MedGen C2750074, MONDO:0013224, OMIM 613325.

Allele frequency attached by ClinVar (database versions not stated): gnomAD 0.00003; ExAC 0.00001; gnomAD exomes 0.00001; TOPMed 0.00001.
gnomAD v4.1: 139 of 1,613,636 alleles (0.0086%); highest among the groups gnomAD compares: Middle Eastern, 0.066%; no homozygotes.

Submissions (7):

Myriad Genetics, Inc.
Classification: Benign for Rhabdoid tumor predisposition syndrome 2. Last evaluated: 2026-07-13. Review status: criteria provided, single submitter. Criteria: Myriad Autosomal Dominant, Autosomal Recessive and X-Linked Classification Criteria (2023). Collection method: clinical testing. Allele origin: unknown.
Comment: This variant is considered benign. This variant is a silent/synonymous amino acid change and it is not expected to impact splicing.

Labcorp Genetics (formerly Invitae), Labcorp
Classification: Likely benign for Rhabdoid tumor predisposition syndrome 2. Last evaluated: 2025-12-21. Review status: criteria provided, single submitter. Criteria: Invitae Variant Classification Sherloc (09022015). Collection method: clinical testing. Allele origin: germline.

PreventionGenetics, part of Exact Sciences
Classification: Likely benign for SMARCA4-related condition. Last evaluated: 2025-07-29. Review status: criteria provided, single submitter. Criteria: ACMG Guidelines, 2015. Collection method: clinical testing. Allele origin: germline.
Comment: This variant is classified as likely benign based on ACMG/AMP sequence variant interpretation guidelines (Richards et al. 2015 PMID: 25741868, with internal and published modifications).

Blueprint Genetics
Classification: Likely benign. Last evaluated: 2024-09-24. Review status: criteria provided, single submitter. Criteria: ACMG Guidelines, 2015. Collection method: clinical testing. Allele origin: germline.

CeGaT Center for Human Genetics Tuebingen
Classification: Likely benign. Last evaluated: 2023-11-01. Review status: criteria provided, single submitter. Criteria: CeGaT Center For Human Genetics Tuebingen Variant Classification Criteria Version 2. Collection method: clinical testing. Allele origin: germline. Affected: yes. Observed: 1 variant allele.
Comment: SMARCA4: BP4, BP7

Sema4
Classification: Benign for Hereditary cancer-predisposing syndrome. Last evaluated: 2021-02-01. Review status: criteria provided, single submitter. Criteria: Sema4 Curation Guidelines. Collection method: curation. Allele origin: germline.

Ambry Genetics
Classification: Likely benign for Hereditary cancer-predisposing syndrome. Last evaluated: 2015-07-16. Review status: criteria provided, single submitter. Criteria: Ambry Variant Classification Scheme 2023. Collection method: clinical testing. Allele origin: germline.